The following is an entry in ClinVar:

ClinVar aggregate classification (germline): Uncertain significance (1 of 4 stars; one submission).

Conditions:
Saldino-Mainzer syndrome (SRTD9). Also called: CONORENAL SYNDROME; Renal dysplasia, retinal pigmentary dystrophy, cerebellar ataxia and skeletal dysplasia; SHORT-RIB THORACIC DYSPLASIA 9 WITHOUT POLYDACTYLY; short-rib thoracic dysplasia 9 with or without polydactyly. Identifiers: Orphanet 140969, MedGen C1849437, MONDO:0009964, OMIM 266920.

Submission:

Labcorp Genetics (formerly Invitae), Labcorp
Classification: Uncertain significance for Saldino-Mainzer syndrome. Last evaluated: 2022-04-01. Review status: criteria provided, single submitter. Criteria: Invitae Variant Classification Sherloc (09022015). Collection method: clinical testing. Allele origin: germline.
Comment: This sequence change replaces leucine, which is neutral and non-polar, with methionine, which is neutral and non-polar, at codon 195 of the IFT140 protein (p.Leu195Met). This variant is not present in population databases (gnomAD no frequency). This variant has not been reported in the literature in individuals affected with IFT140-related conditions. Algorithms developed to predict the effect of missense changes on protein structure and function (SIFT, PolyPhen-2, Align-GVGD) all suggest that this variant is likely to be tolerated. In summary, the available evidence is currently insufficient to determine the role of this variant in disease. Therefore, it has been classified as a Variant of Uncertain Significance.

NM_014714.4(IFT140):c.583C>A (p.Leu195Met)

Genes: IFT140 (intraflagellar transport 140; minus strand), LOC105371046 (uncharacterized LOC105371046; plus strand). Cytogenetic location: 16p13.3.
Variant type: single nucleotide variant.
Coding change: c.583C>A on transcript NM_014714.4 (MANE Select); coding-DNA position 583, C replaced by A.
Protein change: p.Leu195Met; replaces leucine 195 with methionine.
Molecular consequence: missense variant.
Genome position (GRCh38, 1-based): chr16:1,592,227, G>T on the plus strand (C>A on the coding strand, the complement: IFT140 is on the minus strand). VCF-style: chr16-1592227-G-T. GRCh37 (hg19) VCF-style: chr16-1642228-G-T.
Other names: short protein forms L195M.
Identifiers: ClinVar variation 2113410 (VCV002113410.4), dbSNP rs2508051279, ClinGen allele CA394220257.
Genomic context (GRCh38, chr16:1,592,227, plus strand): 5'-GTTCCTCACCGTCCATCAGACTGACAAAGAACAACAGCCCCTCGTGAGACCCCATCTTCA[G>T]CAAACTTCCAGAACTGCTCTTCTTCCAGTTAAACATGTCCAGGGCTTTCTCATCACCGCT-3'
Protein context (NP_055529.2, residues 185-205): NWKKSSSGSL[Leu195Met]KMGSHEGLLF